The following is an entry in ClinVar:

ClinVar aggregate classification (germline): Uncertain significance (1 of 4 stars; one submission).

Conditions:
Nemaline myopathy 2 (NEM2). Also called: Nemaline myopathy 2, autosomal recessive. Identifiers: MedGen C1850569, MONDO:0009725, OMIM 256030.

Allele frequency attached by ClinVar (database versions not stated): ExAC 0.00001; gnomAD exomes 0.00001.
gnomAD v4.1: 4 of 1,613,732 alleles (0.00025%); highest among the groups gnomAD compares: Non-Finnish European, 0.000085%; no homozygotes.

Submission:

Labcorp Genetics (formerly Invitae), Labcorp
Classification: Uncertain significance for Nemaline myopathy 2. Last evaluated: 2022-06-27. Review status: criteria provided, single submitter. Criteria: Invitae Variant Classification Sherloc (09022015). Collection method: clinical testing. Allele origin: germline.
Comment: This sequence change replaces lysine, which is basic and polar, with arginine, which is basic and polar, at codon 2177 of the NEB protein (p.Lys2177Arg). This variant is present in population databases (rs768844040, gnomAD 0.004%). This variant has not been reported in the literature in individuals affected with NEB-related conditions. Algorithms developed to predict the effect of missense changes on protein structure and function output the following: SIFT: "Tolerated"; PolyPhen-2: "Not Available"; Align-GVGD: "Class C0". The arginine amino acid residue is found in multiple mammalian species, which suggests that this missense change does not adversely affect protein function. In summary, the available evidence is currently insufficient to determine the role of this variant in disease. Therefore, it has been classified as a Variant of Uncertain Significance.

NM_001164508.2(NEB):c.6530A>G (p.Lys2177Arg)

Gene: NEB (nebulin; minus strand). Cytogenetic location: 2q23.3.
Variant type: single nucleotide variant.
Coding change: c.6530A>G on transcript NM_001164508.2 (MANE Select); coding-DNA position 6530, A replaced by G.
Protein change: p.Lys2177Arg; replaces lysine 2177 with arginine.
Molecular consequence: missense variant.
Genome position (GRCh38, 1-based): chr2:151,655,989, T>C on the plus strand (A>G on the coding strand, the complement: NEB is on the minus strand). VCF-style: chr2-151655989-T-C. GRCh37 (hg19) VCF-style: chr2-152512503-T-C.
Other names: c.6530A>G, p.Lys2177Arg (NM_001164507.2, NM_001271208.2, NM_004543.5); short protein forms K2177R.
Identifiers: ClinVar variation 1405669 (VCV001405669.6), dbSNP rs768844040, ClinGen allele CA1910073.